The following is an entry in ClinVar:

NM_000088.4(COL1A1):c.432dup (p.Gly145fs)

Gene: COL1A1 (collagen type I alpha 1 chain; minus strand). Cytogenetic location: 17q21.33.
Variant type: Duplication.
Coding change: c.432dup on transcript NM_000088.4 (MANE Select); coding-DNA position 432, one base duplicated (C; older notation c.432dupC).
Protein change: p.Gly145fs; shifts the reading frame from glycine 145.
Molecular consequence: frameshift variant.
Genome position (GRCh38, 1-based): chr17:50,199,265, G duplicated on the plus strand (C on the coding strand, the reverse complement: COL1A1 is on the minus strand); the first of 6 consecutive G bases (chr17:50,199,265-50,199,270); duplicating any one gives the same sequence. VCF-style (leftmost placement, unchanged base first): chr17-50199264-C-CG. GRCh37 (hg19) VCF-style: chr17-48276625-C-CG.
Other names: c.432dup, p.Gly145fs (LRG_1t1); c.432dupC (NM_000088.3); c.432dup (NM_000088.3); short protein forms G145fs.
Identifiers: ClinVar variation 425630 (VCV000425630.14), dbSNP rs72667016, ClinGen allele CA645293911.

ClinVar aggregate classification (germline): Pathogenic. Review status: criteria provided, multiple submitters, no conflicts (2 of 4 stars). 6 submissions from 6 submitters: Pathogenic (4). 2 of the submissions do not count toward it. Last evaluated 2026-01-21.

Conditions:
COL1A1-related disorder. Also called: COL1A1-related condition; COL1A1- related disease.
Osteogenesis imperfecta type I (OI1). Also called: OI, TYPE I; OSTEOGENESIS IMPERFECTA TARDA; OSTEOGENESIS IMPERFECTA WITH BLUE SCLERAE; Osteogenesis imperfecta type 1; Classic Non-deforming Osteogenesis Imperfecta with Blue Sclerae; Lobstein's Disease. Identifiers: Orphanet 216796, Orphanet 666, MedGen C0023931, MONDO:0008146, OMIM 166200. Disease mechanism: loss of function.

Submissions (6):

Labcorp Genetics (formerly Invitae), Labcorp
Classification: Pathogenic for Osteogenesis imperfecta type I. Last evaluated: 2026-01-21. Review status: criteria provided, single submitter. Criteria: Invitae Variant Classification Sherloc (09022015). Collection method: clinical testing. Allele origin: germline.
Comment: This sequence change creates a premature translational stop signal (p.Gly145Argfs*24) in the COL1A1 gene. It is expected to result in an absent or disrupted protein product. Loss-of-function variants in COL1A1 are known to be pathogenic (PMID: 7942841, 9295084, 9443882). This variant is not present in population databases (gnomAD no frequency). This premature translational stop signal has been observed in individual(s) with osteogenesis imperfecta (PMID: 22753364). ClinVar contains an entry for this variant (Variation ID: 425630). For these reasons, this variant has been classified as Pathogenic.

3billion
Classification: Pathogenic for Osteogenesis imperfecta type I. Last evaluated: 2025-10-03. Review status: criteria provided, single submitter. Criteria: ACMG Guidelines, 2015. Collection method: clinical testing. Allele origin: germline. Affected: yes.
Comment: The variant is not observed in the gnomAD v4.1.0 dataset. Predicted Consequence/Location: Frameshift: predicted to result in a loss or disruption of normal protein function through nonsense-mediated decay (NMD) or protein truncation. Multiple pathogenic variants are reported downstream of the variant. The variant has been reported at least twice as pathogenic with clinical assertions and evidence for the classification (ClinVar ID: VCV000425630 /PMID: 22753364 /3billion dataset). Therefore, this variant is classified as Pathogenic according to the recommendation of ACMG/AMP guideline.

Revvity Omics, Revvity
Classification: Pathogenic. Last evaluated: 2024-03-25. Review status: criteria provided, single submitter. Criteria: ACMG Guidelines, 2015. Collection method: clinical testing. Allele origin: germline.

Mendelics
Classification: Pathogenic for Osteogenesis imperfecta type I. Last evaluated: 2019-05-28. Review status: criteria provided, single submitter. Criteria: Mendelics Assertion Criteria 2017. Collection method: clinical testing. Allele origin: unknown.

PreventionGenetics, part of Exact Sciences
Classification: Pathogenic for COL1A1-related condition. Last evaluated: 2023-12-19. Review status: no assertion criteria provided. Collection method: clinical testing. Allele origin: germline. Not counted in ClinVar's aggregate classification.
Comment: The COL1A1 c.432dupC variant is predicted to result in a frameshift and premature protein termination (p.Gly145Argfs*24). This variant was reported in an individual with osteogenesis imperfecta (Gentile et al 2012. PubMed ID: 22753364). This variant has not been reported in a large population database, indicating this variant is rare. Frameshift variants in COL1A1 are expected to be pathogenic. This variant is interpreted as pathogenic.

Department of Medical Sciences, Uppsala University
Classification: Pathogenic for OI type I. Review status: no assertion criteria provided. Collection method: clinical testing. Allele origin: paternal. Affected: yes. Observed: 2 variant alleles. Not counted in ClinVar's aggregate classification.

Literature cited by the submitters: PubMed 7942841 (cited by Labcorp Genetics (formerly Invitae), Labcorp); PubMed 9295084 (cited by Labcorp Genetics (formerly Invitae), Labcorp); PubMed 9443882 (cited by Labcorp Genetics (formerly Invitae), Labcorp); PubMed 22753364 (cited by Labcorp Genetics (formerly Invitae), Labcorp and 3billion); PubMed 25944380 (cited by Department of Medical Sciences, Uppsala University).